The following is an entry in ClinVar:

ClinVar aggregate classification (germline): Likely benign. Review status: criteria provided, multiple submitters, no conflicts (2 of 4 stars). 4 submissions from 4 submitters: Likely benign (4). Last evaluated 2026-03-02.

Conditions:
Fanconi anemia complementation group A (FANCA). Also called: FANCA-Related Fanconi Anemia; Fanconi anemia, group A. Identifiers: Orphanet 84, MedGen C3469521, MONDO:0009215, OMIM 227650.
Inborn genetic diseases. Identifiers: MedGen C0950123, MeSH D030342.
FANCA-related disorder. Also called: FANCA-related condition.
Fanconi anemia (FA). Also called: Fanconi's anemia. Identifiers: Orphanet 84, MedGen C0015625, MeSH D005199, MONDO:0019391.

Allele frequency attached by ClinVar (database versions not stated): gnomAD 0.00001; gnomAD exomes 0.00001.
gnomAD v4.1: 21 of 1,613,262 alleles (0.0013%); highest among the groups gnomAD compares: Admixed American, 0.0033%; no homozygotes.

Submissions (4):

PreventionGenetics, part of Exact Sciences
Classification: Likely benign for FANCA-related condition. Last evaluated: 2026-03-02. Review status: criteria provided, single submitter. Criteria: ACMG Guidelines, 2015. Collection method: clinical testing. Allele origin: germline.
Comment: This variant is classified as likely benign based on ACMG/AMP sequence variant interpretation guidelines (Richards et al. 2015 PMID: 25741868, with internal and published modifications).

Ambry Genetics
Classification: Likely benign for Inborn genetic diseases. Last evaluated: 2024-11-30. Review status: criteria provided, single submitter. Criteria: Ambry Variant Classification Scheme 2023. Collection method: clinical testing. Allele origin: germline.

Labcorp Genetics (formerly Invitae), Labcorp
Classification: Likely benign for Fanconi anemia. Last evaluated: 2024-02-17. Review status: criteria provided, single submitter. Criteria: Invitae Variant Classification Sherloc (09022015). Collection method: clinical testing. Allele origin: germline.

Fulgent Genetics
Classification: Likely benign for Fanconi anemia complementation group A. Last evaluated: 2021-08-23. Review status: criteria provided, single submitter. Criteria: ACMG Guidelines, 2015. Collection method: clinical testing. Allele origin: unknown.

NM_000135.4(FANCA):c.2322G>A (p.Pro774=)

Gene: FANCA (FA complementation group A; minus strand). Cytogenetic location: 16q24.3.
Variant type: single nucleotide variant.
Coding change: c.2322G>A on transcript NM_000135.4 (MANE Select); coding-DNA position 2322, G replaced by A.
Protein change: p.Pro774=; no amino-acid change (proline 774 retained).
Molecular consequence: synonymous variant.
Genome position (GRCh38, 1-based): chr16:89,770,019, C>T on the plus strand (G>A on the coding strand, the complement: FANCA is on the minus strand). VCF-style: chr16-89770019-C-T. GRCh37 (hg19) VCF-style: chr16-89836427-C-T.
Other names: c.2322G>A, p.Pro774= (NM_001286167.3).
Identifiers: ClinVar variation 705335 (VCV000705335.13), dbSNP rs931091451, ClinGen allele CA286564597.